The following is an entry in ClinVar:

ClinVar aggregate classification (germline): Uncertain significance (1 of 4 stars; one submission).

Conditions:
Developmental and epileptic encephalopathy, 42 (DEE42A). Also called: DEVELOPMENTAL AND EPILEPTIC ENCEPHALOPATHY 42A; EPILEPTIC ENCEPHALOPATHY, EARLY INFANTILE, 42A; Epileptic encephalopathy, early infantile, 42. Identifiers: MedGen C4310716, MONDO:0014917, OMIM 617106.
Episodic ataxia type 2 (EA2). Also called: ATAXIA, EPISODIC, WITH NYSTAGMUS; ATAXIA, FAMILIAL PAROXYSMAL; CEREBELLAR ATAXIA, PAROXYSMAL, ACETAZOLAMIDE-RESPONSIVE; CEREBELLOPATHY, HEREDITARY PAROXYSMAL; EPISODIC ATAXIA, NYSTAGMUS-ASSOCIATED; ACETAZOLAMIDE-RESPONSIVE HEREDITARY PAROXYSMAL CEREBELLAR ATAXIA. Identifiers: Orphanet 97, MedGen C1720416, MONDO:0007163, OMIM 108500.

Submission:

Labcorp Genetics (formerly Invitae), Labcorp
Classification: Uncertain significance for Developmental and epileptic encephalopathy, 42; Episodic ataxia type 2. Last evaluated: 2022-07-05. Review status: criteria provided, single submitter. Criteria: Invitae Variant Classification Sherloc (09022015). Collection method: clinical testing. Allele origin: germline.
Comment: This sequence change replaces alanine, which is neutral and non-polar, with serine, which is neutral and polar, at codon 2 of the CACNA1A protein (p.Ala2Ser). In summary, the available evidence is currently insufficient to determine the role of this variant in disease. Therefore, it has been classified as a Variant of Uncertain Significance. Algorithms developed to predict the effect of missense changes on protein structure and function are either unavailable or do not agree on the potential impact of this missense change (SIFT: "Tolerated"; PolyPhen-2: "Possibly Damaging"; Align-GVGD: "Class C0"). ClinVar contains an entry for this variant (Variation ID: 1475482). This variant has not been reported in the literature in individuals affected with CACNA1A-related conditions. This variant is not present in population databases (gnomAD no frequency).

NM_001127222.2(CACNA1A):c.4G>T (p.Ala2Ser)

Gene: CACNA1A (calcium voltage-gated channel subunit alpha1 A; minus strand). Cytogenetic location: 19p13.13.
Variant type: single nucleotide variant.
Coding change: c.4G>T on transcript NM_001127222.2 (MANE Select); coding-DNA position 4, G replaced by T.
Protein change: p.Ala2Ser; replaces alanine 2 with serine.
Molecular consequence: missense variant.
Genome position (GRCh38, 1-based): chr19:13,506,221, C>A on the plus strand (G>T on the coding strand, the complement: CACNA1A is on the minus strand). VCF-style: chr19-13506221-C-A. GRCh37 (hg19) VCF-style: chr19-13617035-C-A.
Other names: c.4G>T, p.Ala2Ser (NM_000068.4, NM_001127221.2, NM_001174080.2 and 1 more transcripts); short protein forms A2S.
Identifiers: ClinVar variation 1475482 (VCV001475482.8), dbSNP rs2145193160, ClinGen allele CA404971402.